The following is an entry in ClinVar:

ClinVar aggregate classification (germline): Uncertain significance (1 of 4 stars; one submission).

Conditions:
Hereditary cancer-predisposing syndrome. Also called: Hereditary neoplastic syndrome; Neoplastic Syndromes, Hereditary; Tumor predisposition; Hereditary Cancer Syndrome. Identifiers: Orphanet 140162, MedGen C0027672, MeSH D009386, MONDO:0015356.

Submission:

Ambry Genetics
Classification: Uncertain significance for Hereditary cancer-predisposing syndrome. Last evaluated: 2025-08-22. Review status: criteria provided, single submitter. Criteria: Ambry Variant Classification Scheme 2023. Collection method: clinical testing. Allele origin: germline.
Comment: The p.A766D variant (also known as c.2297C>A), located in coding exon 15 of the PDGFRA gene, results from a C to A substitution at nucleotide position 2297. The alanine at codon 766 is replaced by aspartic acid, an amino acid with dissimilar properties. This amino acid position is conserved. In addition, the in silico prediction for this alteration is inconclusive. Based on the available evidence, the clinical significance of this variant remains unclear.

NM_006206.6(PDGFRA):c.2297C>A (p.Ala766Asp)

Gene: PDGFRA (platelet derived growth factor receptor alpha; plus strand). Cytogenetic location: 4q12.
Variant type: single nucleotide variant.
Coding change: c.2297C>A on transcript NM_006206.6 (MANE Select); coding-DNA position 2297, C replaced by A.
Protein change: p.Ala766Asp; replaces alanine 766 with aspartic acid.
Molecular consequence: missense variant.
Genome position (GRCh38, 1-based): chr4:54,280,456, C>A. VCF-style: chr4-54280456-C-A. GRCh37 (hg19) VCF-style: chr4-55146623-C-A.
Other names: c.2297C>A, p.Ala766Asp (NM_001347827.2, NM_001347829.2); c.2372C>A, p.Ala791Asp (NM_001347828.2); c.2336C>A, p.Ala779Asp (NM_001347830.2); short protein forms A779D, A766D, A791D.
Identifiers: ClinVar variation 4134009 (VCV004134009.1).